The following is an entry in ClinVar:

ClinVar aggregate classification (germline): Conflicting classifications of pathogenicity. Review status: criteria provided, conflicting classifications (1 of 4 stars). 3 submissions from 3 submitters: Uncertain significance (1); Likely benign (1). 1 of the submissions does not count toward it. Last evaluated 2023-03-23.

Conditions:
Hereditary cancer-predisposing syndrome. Also called: Tumor predisposition; Hereditary Cancer Syndrome; Neoplastic Syndromes, Hereditary; Hereditary neoplastic syndrome. Identifiers: Orphanet 140162, MedGen C0027672, MeSH D009386, MONDO:0015356.
Hereditary breast ovarian cancer syndrome. Also called: Hereditary breast and ovarian cancer; Breast and ovarian cancer; Hereditary breast and/or ovarian cancer syndrome; BRCA1- and BRCA2-Associated Hereditary Breast and Ovarian Cancer; Hereditary breast and ovarian cancer syndrome; Hereditary breast and ovarian cancer syndrome (HBOC). Identifiers: Orphanet 145, MedGen C0677776, MeSH D061325, MONDO:0003582. Disease mechanism: loss of function.
Breast-ovarian cancer, familial, susceptibility to, 2 (BROVCA2). Also called: BRCA2 Hereditary Breast and Ovarian Cancer. Identifiers: Orphanet 145, MedGen C2675520, MONDO:0012933, OMIM 612555. Disease mechanism: loss of function.

Submissions (3):

University of Washington Department of Laboratory Medicine, University of Washington
Classification: Likely benign for Hereditary cancer-predisposing syndrome. Last evaluated: 2023-03-23. Review status: criteria provided, single submitter. Criteria: Dines et al. (Genet Med. 2020). Collection method: curation. Allele origin: germline.
Comment: Missense variant in a coldspot region where missense variants are very unlikely to be pathogenic (PMID:31911673).

BRCA2 exon 11 coldspot. Reclassification based on statistical prior probability.

Labcorp Genetics (formerly Invitae), Labcorp
Classification: Uncertain significance for Hereditary breast ovarian cancer syndrome. Last evaluated: 2018-08-20. Review status: criteria provided, single submitter. Criteria: Invitae Variant Classification Sherloc (09022015). Collection method: clinical testing. Allele origin: germline.
Comment: This variant is not present in population databases (ExAC no frequency). This sequence change replaces aspartic acid with glutamic acid at codon 752 of the BRCA2 protein (p.Asp752Glu). The aspartic acid residue is weakly conserved and there is a small physicochemical difference between aspartic acid and glutamic acid. This variant has not been reported in the literature in individuals with BRCA2-related disease. ClinVar contains an entry for this variant (Variation ID: 252818). Algorithms developed to predict the effect of missense changes on protein structure and function (SIFT, PolyPhen-2, Align-GVGD) all suggest that this variant is likely to be tolerated, but these predictions have not been confirmed by published functional studies and their clinical significance is uncertain. In summary, the available evidence is currently insufficient to determine the role of this variant in disease. Therefore, it has been classified as a Variant of Uncertain Significance.

Sharing Clinical Reports Project (SCRP)
Classification: Uncertain significance for Breast-ovarian cancer, familial 2. Last evaluated: 2008-11-20. Review status: no assertion criteria provided. Collection method: clinical testing. Allele origin: germline. Not counted in ClinVar's aggregate classification.

NM_000059.4(BRCA2):c.2256C>A (p.Asp752Glu)

Gene: BRCA2 (BRCA2 DNA repair associated; plus strand). Cytogenetic location: 13q13.1.
Variant type: single nucleotide variant.
Coding change: c.2256C>A on transcript NM_000059.4 (MANE Select); coding-DNA position 2256, C replaced by A.
Protein change: p.Asp752Glu; replaces aspartic acid 752 with glutamic acid.
Molecular consequence: missense variant.
Genome position (GRCh38, 1-based): chr13:32,336,611, C>A. VCF-style: chr13-32336611-C-A. GRCh37 (hg19) VCF-style: chr13-32910748-C-A.
Other names: 2484C>A; short protein forms D752E.
Identifiers: ClinVar variation 252818 (VCV000252818.12), dbSNP rs766384913, ClinGen allele CA10586057.